The following is an entry in ClinVar:

ClinVar aggregate classification (germline): Likely benign. Review status: criteria provided, multiple submitters, no conflicts (2 of 4 stars). 2 submissions from 2 submitters: Likely benign (2). Last evaluated 2025-04-01.

Allele frequency attached by ClinVar (database versions not stated): 1000 Genomes Project 30x 0.00016; 1000 Genomes Project 0.00020.
gnomAD v4.1: 8 of 1,613,332 alleles (0.0005%); highest among the groups gnomAD compares: African/African-American, 0.0027%; no homozygotes.

Submissions (2):

CeGaT Center for Human Genetics Tuebingen
Classification: Likely benign. Last evaluated: 2025-04-01. Review status: criteria provided, single submitter. Criteria: CeGaT Center For Human Genetics Tuebingen Variant Classification Criteria Version 2. Collection method: clinical testing. Allele origin: germline. Affected: yes. Observed: 1 variant allele.
Comment: ERCC1: BP4, BP7

Labcorp Genetics (formerly Invitae), Labcorp
Classification: Likely benign. Last evaluated: 2022-08-10. Review status: criteria provided, single submitter. Criteria: Invitae Variant Classification Sherloc (09022015). Collection method: clinical testing. Allele origin: germline.

NM_001983.4(ERCC1):c.345C>T (p.Phe115=)

Gene: ERCC1 (ERCC excision repair 1, endonuclease non-catalytic subunit; minus strand). Cytogenetic location: 19q13.32.
Variant type: single nucleotide variant.
Coding change: c.345C>T on transcript NM_001983.4 (MANE Select); coding-DNA position 345, C replaced by T.
Protein change: p.Phe115=; no amino-acid change (phenylalanine 115 retained).
Molecular consequence: synonymous variant.
Genome position (GRCh38, 1-based): chr19:45,420,404, G>A on the plus strand (C>T on the coding strand, the complement: ERCC1 is on the minus strand). VCF-style: chr19-45420404-G-A. GRCh37 (hg19) VCF-style: chr19-45923662-G-A.
Other names: c.345C>T, p.Phe115= (NM_001166049.2, NM_001369408.1, NM_001369409.1 and 11 more transcripts).
Identifiers: ClinVar variation 2173577 (VCV002173577.11), dbSNP rs571797380, ClinGen allele CA9515476.